The following continues an entry in ClinVar:

NM_000038.6(APC):c.1631T>C (p.Ile544Thr)

Gene: APC. ClinVar aggregate classification (germline): Conflicting classifications of pathogenicity. Uncertain significance (3); Benign (1); Likely benign (11).

Submissions 16 to 19 of 19:

PreventionGenetics, part of Exact Sciences
Classification: Likely benign for APC-related condition. Last evaluated: 2024-06-21. Review status: no assertion criteria provided. Collection method: clinical testing. Allele origin: germline. Not counted in ClinVar's aggregate classification.
Comment: This variant is classified as likely benign based on ACMG/AMP sequence variant interpretation guidelines (Richards et al. 2015 PMID: 25741868, with internal and published modifications).

True Health Diagnostics
Classification: Uncertain significance for Hereditary cancer-predisposing syndrome. Last evaluated: 2017-12-01. Review status: no assertion criteria provided. Collection method: clinical testing. Allele origin: germline. Not counted in ClinVar's aggregate classification.

Biesecker Lab/Clinical Genomics Section, National Institutes of Health
Classification: Uncertain significance. Last evaluated: 2012-07-13. Review status: no assertion criteria provided. Collection method: research. Allele origin: germline. Affected: no. Observed: 1 variant allele. Study: ClinSeq. Not counted in ClinVar's aggregate classification.
ClinVar note: Converted during submission from variant of unknown significance to Uncertain significance.

Department of Pathology and Laboratory Medicine, Sinai Health System
Classification: Uncertain significance for Carcinoma of colon. Review status: no assertion criteria provided. Collection method: clinical testing. Allele origin: unknown. Affected: yes. Study: The Canadian Open Genetics Repository (COGR). Not counted in ClinVar's aggregate classification.
Comment: The APC p.Ile544Thr variant was identified in 1 of 3082 proband chromosomes (frequency: 0.000) from an individual with FAP (Kerr 2013). The variant was also identified in dbSNP (ID: rs144056494) â€šÃ„ÃºWith other alleleâ€šÃ„Ã¹, Clinvar database (with conflicting interpretations of pathogenicity, classified as benign by Ambry Genetics and uncertain significance by GeneDx, Invitae and Biesecker Laboratory-ClinSeq Project), Clinvitae database. This variant was also identified in the 1000 Genomes Project in 2 of 5000 chromosomes (frequency: 0.0004), HAPMAP-EUR in 2 of 1006 chromosomes (frequency: 0.002), NHLBI GO Exome Sequencing Project (ESP) in 2 of 5000 European American alleles, and the Exome Aggregation Consortium (ExAC) database (released Jan 13, 2015) in 17 of 66250 chromosomes (frequency:0.0003) in the European (Non-Finnish) population. The p.Ile544 residue is conserved across mammals and other organisms and computational analyses (PolyPhen-2, SIFT, AlignGVGD, BLOSUM, MutationTaster) provide inconsistent predictions regarding the impact to the protein; this information is not very predictive of pathogenicity. The variant occurs outside of the splicing consensus sequence and 1 of 5 in silico or computational prediction software programs (SpliceSiteFinder, MaxEntScan, NNSPLICE, GeneSplicer, HumanSpliceFinder) predict a greater than 10% difference in splicing; this is not very predictive of pathogenicity. In summary, based on the above information, the clinical significance of this variant cannot be determined with certainty at this time. This variant is classified as a variant of uncertain significance.

Literature cited by the submitters: PubMed 23159591 (cited by 4 submitters); PubMed 25479140 (cited by Women's Health and Genetics/Laboratory Corporation of America, LabCorp and Quest Diagnostics Nichols Institute San Juan Capistrano); PubMed 27443514 (cited by 4 submitters); PubMed 28135145 (cited by 4 submitters); PubMed 30680046 (cited by 3 submitters); PubMed 34326862 (cited by Quest Diagnostics Nichols Institute San Juan Capistrano); PubMed 30267214 (cited by Quest Diagnostics Nichols Institute San Juan Capistrano).